The following is an entry in ClinVar:

NM_001177316.2(SLC34A3):c.-5A>T

Gene: SLC34A3 (solute carrier family 34 member 3; plus strand). Cytogenetic location: 9q34.3.
Variant type: single nucleotide variant.
Coding change: c.-5A>T on transcript NM_001177316.2 (MANE Select); 5 bases upstream of the start codon, A replaced by T.
Molecular consequence: 5 prime UTR variant.
Genome position (GRCh38, 1-based): chr9:137,231,698, A>T. VCF-style: chr9-137231698-A-T. GRCh37 (hg19) VCF-style: chr9-140126150-A-T.
Other names: c.-5A>T (NM_001177317.2, NM_080877.3).
Identifiers: ClinVar variation 3041974 (VCV003041974.3), dbSNP rs199975477, ClinGen allele CA5364159.

ClinVar aggregate classification (germline): Likely benign. Review status: criteria provided, single submitter (1 of 4 stars). 2 submissions from 2 submitters: Likely benign (1). 1 of the submissions does not count toward it. Last evaluated 2024-11-22.

Conditions:
SLC34A3-related disorder. Also called: SLC34A3-related condition.

Allele frequency attached by ClinVar (database versions not stated): 1000 Genomes Project 30x 0.00016; 1000 Genomes Project 0.00020; TOPMed 0.00099; gnomAD 0.00170; ESP Exome Variant Server 0.00177; gnomAD exomes 0.00179; ExAC 0.00203.

Submissions (2):

Blueprint Genetics
Classification: Likely benign. Last evaluated: 2024-11-22. Review status: criteria provided, single submitter. Criteria: ACMG Guidelines, 2015. Collection method: clinical testing. Allele origin: germline.

PreventionGenetics, part of Exact Sciences
Classification: Likely benign for SLC34A3-related condition. Last evaluated: 2019-03-05. Review status: no assertion criteria provided. Collection method: clinical testing. Allele origin: germline. Not counted in ClinVar's aggregate classification.
Comment: This variant is classified as likely benign based on ACMG/AMP sequence variant interpretation guidelines (Richards et al. 2015 PMID: 25741868, with internal and published modifications).